The following is an entry in ClinVar:

ClinVar aggregate classification (germline): Uncertain significance (1 of 4 stars; one submission).

Conditions:
TMEM67-related disorder. Also called: TMEM67-related condition; TMEM67-related disorders. Identifiers: MedGen CN239423.

Allele frequency attached by ClinVar (database versions not stated): TOPMed below 0.00001; ExAC 0.00001; gnomAD exomes 0.00001.
gnomAD v4.1: 6 of 1,614,034 alleles (0.00037%); highest among the groups gnomAD compares: Middle Eastern, 0.017%; no homozygotes.

Submission:

PreventionGenetics, part of Exact Sciences
Classification: Uncertain significance for TMEM67-related condition. Last evaluated: 2022-11-03. Review status: criteria provided, single submitter. Criteria: ACMG Guidelines, 2015. Collection method: clinical testing. Allele origin: germline.
Comment: The TMEM67 c.2017G>A variant is predicted to result in the amino acid substitution p.Val673Ile. To our knowledge, this variant has not been reported in the literature. A different missense variant affecting the same amino acid (p.Val673Ala) has been reported with another pathogenic variant in TMEM67 has been reported in an individual with Joubert syndrome (Otto et al. 2011. PubMed ID: 21068128). This variant is reported in 0.00088% of alleles in individuals of European (Non-Finnish) descent in gnomAD. At this time, the clinical significance of this variant is uncertain due to the absence of conclusive functional and genetic evidence.

NM_153704.6(TMEM67):c.2017G>A (p.Val673Ile)

Gene: TMEM67 (transmembrane protein 67; plus strand). Cytogenetic location: 8q22.1.
Variant type: single nucleotide variant.
Coding change: c.2017G>A on transcript NM_153704.6 (MANE Select); coding-DNA position 2017, G replaced by A.
Protein change: p.Val673Ile; replaces valine 673 with isoleucine.
Molecular consequence: missense variant. On other transcripts: non-coding transcript variant (1).
Genome position (GRCh38, 1-based): chr8:93,797,387, G>A. VCF-style: chr8-93797387-G-A. GRCh37 (hg19) VCF-style: chr8-94809615-G-A.
Other names: c.1774G>A, p.Val592Ile (NM_001142301.1); short protein forms V592I, V673I.
Identifiers: ClinVar variation 2635443 (VCV002635443.1), dbSNP rs774235280, ClinGen allele CA4808180.
Genomic context (GRCh38, chr8:93,797,387, plus strand): 5'-CCAGGTGAGGGTGGTGTACGAAGTGCCACTGTTCCTGTAAGCATATGGAGAACATATTTT[G>A]TAGCAAATGAATGGAATGAAATTCAGACTGTGAGAAAAATTAATTCACTCTTTCAAGTAC-3'
Protein context (NP_714915.3, residues 663-683): VPVSIWRTYF[Val673Ile]ANEWNEIQTV